The following is an entry in ClinVar:

NM_012330.4(KAT6B):c.5213C>T (p.Thr1738Ile)

Gene: KAT6B (lysine acetyltransferase 6B; plus strand). Cytogenetic location: 10q22.2.
Variant type: single nucleotide variant.
Coding change: c.5213C>T on transcript NM_012330.4 (MANE Select); coding-DNA position 5213, C replaced by T.
Protein change: p.Thr1738Ile; replaces threonine 1738 with isoleucine.
Molecular consequence: missense variant.
Genome position (GRCh38, 1-based): chr10:75,030,037, C>T. VCF-style: chr10-75030037-C-T. GRCh37 (hg19) VCF-style: chr10-76789795-C-T.
Other names: c.4664C>T, p.Thr1555Ile (NM_001256468.2, NM_001370138.1); c.4337C>T, p.Thr1446Ile (NM_001256469.2, NM_001370139.1, NM_001370140.1 and 2 more transcripts); c.4175C>T, p.Thr1392Ile (NM_001370132.1); c.3524C>T, p.Thr1175Ile (NM_001370133.1); c.3128C>T, p.Thr1043Ile (NM_001370134.1); c.2870C>T, p.Thr957Ile (NM_001370135.1); c.5213C>T, p.Thr1738Ile (NM_001370136.1, NM_001370137.1); c.4148C>T, p.Thr1383Ile (NM_001370143.1, NM_001370144.1); short protein forms T1738I, T1383I, T957I, T1446I, T1043I, T1555I, T1175I, T1392I.
Identifiers: ClinVar variation 523500 (VCV000523500.4), dbSNP rs1554846212, ClinGen allele CA377300392.
Genomic context (GRCh38, chr10:75,030,037, plus strand): 5'-GCTGTGCTGTCACCCAGCAGATGTCCAACATCAGCGGGAGCTGCAGCATGCTGCAGCAAA[C>T]CAGCATCAGCTCCCCTCCGACCTGCAGCGTCAAGTCTCCTCAAGGCTGTGTGGTGGAGAG-3'
Protein context (NP_036462.2, residues 1728-1748): ISGSCSMLQQ[Thr1738Ile]SISSPPTCSV

ClinVar aggregate classification (germline): Conflicting classifications of pathogenicity. Review status: criteria provided, conflicting classifications (1 of 4 stars). 2 submissions from 2 submitters: Likely pathogenic (1); Uncertain significance (1). Last evaluated 2019-07-30.

Conditions:
Cryptorchidism. Also called: undescended testicle; Undescended testes. Identifiers: MedGen C0010417, MONDO:0009047, OMIM 219050, HP:0000028.
Clubfoot. Also called: congenital talipes equinovarus; Clubfeet; Talipes equinovarus; CLUBFOOT, CONGENITAL, WITH OR WITHOUT DEFICIENCY OF LONG BONES AND/OR MIRROR-IMAGE POLYDACTYLY; Club foot. Identifiers: Orphanet 199315, MedGen C0009081, MONDO:0007342, OMIM 119800, HP:0001762.
Hypertelorism. Identifiers: MedGen C0020534, OMIM 145400, HP:0000316.
Short distal phalanx of toe. Identifiers: MedGen C4021771, HP:0001857.
Tapered finger. Also called: Tapering fingers; Tapered fingers. Identifiers: MedGen C0426886, HP:0001182.
Abnormal facial shape. Also called: Dysmorphic facial features; Dysmorphic facies. Identifiers: MedGen C0424503, HP:0001999.
Short nose. Also called: Nasal hypoplasia. Identifiers: MedGen C1854114, HP:0003196.
Neuropathic spinal arthropathy. Identifiers: MedGen C5702564, HP:0008443.
Intellectual disability. Also called: Intellectual functioning disability; Intellectual developmental disorder; intellectual disabilities. Identifiers: MedGen C3714756, MeSH D008607, MONDO:0001071, HP:0001249.

Allele frequency attached by ClinVar (database versions not stated): gnomAD exomes below 0.00001.
gnomAD v4.1: 1 of 1,614,228 alleles (0.000062%); highest among the groups gnomAD compares: Non-Finnish European, 0.000085%; no homozygotes.

Submissions (2):

GeneDx
Classification: Uncertain significance. Last evaluated: 2019-07-30. Review status: criteria provided, single submitter. Criteria: GeneDx Variant Classification Process June 2021. Collection method: clinical testing. Allele origin: germline. Affected: yes.
Comment: Not observed in large population cohorts (Lek et al., 2016); In silico analysis, which includes protein predictors and evolutionary conservation, supports a deleterious effect; Has not been previously published as pathogenic or benign to our knowledge; This variant is associated with the following publications: (PMID: 31623504)

Centre for Mendelian Genomics, University Medical Centre Ljubljana
Classification: Likely pathogenic for Abnormal facial shape; Cryptorchidism; Hypertelorism; Intellectual disability; Short distal phalanx of toe; Short nose; Neuropathic spinal arthropathy; Clubfoot; Tapered finger. Last evaluated: 2017-01-01. Review status: criteria provided, single submitter. Criteria: ACMG Guidelines, 2015. Collection method: clinical testing. Allele origin: unknown. Affected: yes.